The following is an entry in ClinVar:

NM_152594.3(SPRED1):c.410C>T (p.Ala137Val)

Gene: SPRED1 (sprouty related EVH1 domain containing 1; plus strand). Cytogenetic location: 15q14.
Variant type: single nucleotide variant.
Coding change: c.410C>T on transcript NM_152594.3 (MANE Select); coding-DNA position 410, C replaced by T.
Protein change: p.Ala137Val; replaces alanine 137 with valine.
Molecular consequence: missense variant.
Genome position (GRCh38, 1-based): chr15:38,324,796, C>T. VCF-style: chr15-38324796-C-T. GRCh37 (hg19) VCF-style: chr15-38616997-C-T.
Other names: c.410C>T (NM_152594.2); short protein forms A137V.
Identifiers: ClinVar variation 1053408 (VCV001053408.10), dbSNP rs1355725873, ClinGen allele CA391932354.
Genomic context (GRCh38, chr15:38,324,796, plus strand): 5'-TTAATTAACTTTTATCTATTTTCTTAGGATGCCCCGAATCAAAAAATGAAGCTGAAGGGG[C>T]AGATGACTTACAAGTAAGTAATGGCTTGGAAGGAATTTGTAAACATAAAGGATGTGGAAG-3'
Protein context (NP_689807.1, residues 127-147): CPESKNEAEG[Ala137Val]DDLQANEEDS

ClinVar aggregate classification (germline): Uncertain significance. Review status: criteria provided, multiple submitters, no conflicts (2 of 4 stars). 2 submissions from 2 submitters: Uncertain significance (2). Last evaluated 2025-08-19.

Conditions:
Cardiovascular phenotype. Identifiers: MedGen CN230736.
Legius syndrome. Identifiers: Orphanet 137605, MedGen C1969623, MONDO:0012669, OMIM 611431. Disease mechanism: loss of function.

Submissions (2):

Ambry Genetics
Classification: Uncertain significance for Cardiovascular phenotype. Last evaluated: 2025-08-19. Review status: criteria provided, single submitter. Criteria: Ambry Variant Classification Scheme 2023. Collection method: clinical testing. Allele origin: germline.
Comment: The p.A137V variant (also known as c.410C>T), located in coding exon 4 of the SPRED1 gene, results from a C to T substitution at nucleotide position 410. The alanine at codon 137 is replaced by valine, an amino acid with similar properties. This amino acid position is conserved. In addition, this alteration is predicted to be tolerated by in silico analysis. Based on the available evidence, the clinical significance of this variant remains unclear.

Labcorp Genetics (formerly Invitae), Labcorp
Classification: Uncertain significance for Legius syndrome. Last evaluated: 2020-07-24. Review status: criteria provided, single submitter. Criteria: Invitae Variant Classification Sherloc (09022015). Collection method: clinical testing. Allele origin: germline.
Comment: Algorithms developed to predict the effect of sequence changes on RNA splicing suggest that this variant may create or strengthen a splice site, but this prediction has not been confirmed by published transcriptional studies. In summary, the available evidence is currently insufficient to determine the role of this variant in disease. Therefore, it has been classified as a Variant of Uncertain Significance. Algorithms developed to predict the effect of missense changes on protein structure and function (SIFT, PolyPhen-2, Align-GVGD) all suggest that this variant is likely to be tolerated, but these predictions have not been confirmed by published functional studies and their clinical significance is uncertain. This sequence change replaces alanine with valine at codon 137 of the SPRED1 protein (p.Ala137Val). The alanine residue is weakly conserved and there is a small physicochemical difference between alanine and valine. This variant is not present in population databases (ExAC no frequency). This variant has not been reported in the literature in individuals with SPRED1-related conditions.